The following is an entry in ClinVar:

NM_001035.3(RYR2):c.1613-9C>T

Gene: RYR2 (ryanodine receptor 2; plus strand). Cytogenetic location: 1q43.
Variant type: single nucleotide variant.
Coding change: c.1613-9C>T on transcript NM_001035.3 (MANE Select); 9 bases into the intron before coding-DNA position 1613, C replaced by T.
Molecular consequence: intron variant.
Genome position (GRCh38, 1-based): chr1:237,469,083, C>T. VCF-style: chr1-237469083-C-T. GRCh37 (hg19) VCF-style: chr1-237632383-C-T.
Identifiers: ClinVar variation 923774 (VCV000923774.5), dbSNP rs757051500, ClinGen allele CA1013710594.

ClinVar aggregate classification (germline): Likely benign. Review status: criteria provided, multiple submitters, no conflicts (2 of 4 stars). 3 submissions from 3 submitters: Likely benign (3). Last evaluated 2025-04-23.

Conditions:
Catecholaminergic polymorphic ventricular tachycardia (CVPT). Also called: Catecholamine-induced polymorphic ventricular tachycardia. Identifiers: Orphanet 3286, MedGen C5574922, MONDO:0017990.
Cardiomyopathy (CMYO). Also called: Cardiomyopathies. Identifiers: Orphanet 167848, MedGen C0878544, MONDO:0004994, HP:0001638. Inheritance: Various modes of inheritance.
Catecholaminergic polymorphic ventricular tachycardia 1. Also called: VENTRICULAR TACHYCARDIA, CATECHOLAMINERGIC POLYMORPHIC, 1, WITH OR WITHOUT ATRIAL DYSFUNCTION AND/OR DILATED CARDIOMYOPATHY; RYR2-Related Catecholaminergic Polymorphic Ventricular Tachycardia; VENTRICULAR TACHYCARDIA, STRESS-INDUCED POLYMORPHIC 1. Identifiers: Orphanet 3286, MedGen C1631597, MONDO:0011484, OMIM 604772.

Allele frequency attached by ClinVar (database versions not stated): TOPMed below 0.00001; gnomAD 0.00001.
gnomAD v4.1: 6 of 1,610,988 alleles (0.00037%); highest among the groups gnomAD compares: African/African-American, 0.0013%; no homozygotes.

Submissions (3):

Labcorp Genetics (formerly Invitae), Labcorp
Classification: Likely benign for Catecholaminergic polymorphic ventricular tachycardia 1. Last evaluated: 2025-04-23. Review status: criteria provided, single submitter. Criteria: Invitae Variant Classification Sherloc (09022015). Collection method: clinical testing. Allele origin: germline.

All of Us Research Program, National Institutes of Health
Classification: Likely benign for Catecholaminergic polymorphic ventricular tachycardia. Last evaluated: 2023-06-26. Review status: criteria provided, single submitter. Criteria: ACMG Guidelines, 2015. Collection method: clinical testing. Allele origin: germline. Inheritance: Autosomal dominant inheritance. Observed: 1 variant allele, 1 heterozygote.
Comment: This study involves interpretation of variants in research participants for the purpose of population health screening. Participant phenotype was not available at the time of variant classification. Additional details can be found in publication PMID: 35346344, PMCID: PMC8962531

Color Diagnostics, LLC DBA Color Health
Classification: Likely benign for Cardiomyopathy. Last evaluated: 2020-03-17. Review status: criteria provided, single submitter. Criteria: ACMG Guidelines, 2015. Collection method: clinical testing. Allele origin: germline.